The following is an entry in ClinVar:

NM_004744.5(LRAT):c.12del (p.Met5fs)

Gene: LRAT (lecithin retinol acyltransferase; plus strand). Cytogenetic location: 4q32.1.
Variant type: Deletion.
Coding change: c.12del on transcript NM_004744.5 (MANE Select); coding-DNA position 12, one base deleted (C; older notation c.12delC).
Protein change: p.Met5fs; shifts the reading frame from methionine 5.
Molecular consequence: frameshift variant.
Genome position (GRCh38, 1-based): chr4:154,744,338, C deleted; the last of 4 consecutive C bases (chr4:154,744,335-154,744,338); deleting any one gives the same sequence. VCF-style (leftmost placement, unchanged base first): chr4-154744334-AC-A. GRCh37 (hg19) VCF-style: chr4-155665486-AC-A.
Other names: c.12del, p.Met5fs (NM_001301645.2); short protein forms M5fs.
Identifiers: ClinVar variation 1073195 (VCV001073195.10), dbSNP rs2111031951, ClinGen allele CA2499217118.
Genomic context (GRCh38, chr4:154,744,334, plus strand): 5'-GCCCCTGCCGGAGTGGCACCGGCACCTCTCCAAGACGCCCTCTTCCCTGCAGGATGAAGA[AC>A]CCCATGCTGGAGGTGGTGTCTTTACTACTGGAGAAGCTGCTCCTCATCTCCAACTTCACG-3'

ClinVar aggregate classification (germline): Pathogenic. Review status: criteria provided, multiple submitters, no conflicts (2 of 4 stars). 2 submissions from 2 submitters: Pathogenic (2). Last evaluated 2017-06-16.

Conditions:
Retinal dystrophy. Also called: Inherited retinal dystrophy. Identifiers: Orphanet 71862, MedGen C0854723, MeSH D058499, MONDO:0019118, HP:0000556.

Submissions (2):

Labcorp Genetics (formerly Invitae), Labcorp
Classification: Pathogenic. Last evaluated: 2017-06-16. Review status: criteria provided, single submitter. Criteria: Invitae Variant Classification Sherloc (09022015). Collection method: clinical testing. Allele origin: germline.
Comment: For these reasons, this variant has been classified as Pathogenic. Loss-of-function variants in LRAT are known to be pathogenic (PMID: 24265693, 22559933). This variant has been reported to segregate with retinitis punctata albescens in two families (PMID: 22559933). This variant is not present in population databases (ExAC no frequency). This sequence change creates a premature translational stop signal (p.Met5Cysfs*54) in the LRAT gene. It is expected to result in an absent or disrupted protein product.

Institute of Human Genetics, Univ. Regensburg, Univ. Regensburg
Classification: Pathogenic for Retinal dystrophy. Last evaluated: 2016-01-01. Review status: criteria provided, single submitter. Criteria: ACMG Guidelines, 2015. Collection method: clinical testing. Allele origin: germline. Affected: yes.

Literature cited by the submitters: PubMed 24265693 (cited by Labcorp Genetics (formerly Invitae), Labcorp); PubMed 22559933 (cited by Labcorp Genetics (formerly Invitae), Labcorp and Institute of Human Genetics, Univ. Regensburg, Univ. Regensburg); PubMed 3144818 (cited by Institute of Human Genetics, Univ. Regensburg, Univ. Regensburg).